The following is an entry in ClinVar:

ClinVar aggregate classification (germline): Benign/Likely benign. Review status: criteria provided, multiple submitters, no conflicts (2 of 4 stars). 7 submissions from 7 submitters: Benign (1); Likely benign (5). 1 of the submissions does not count toward it. Last evaluated 2026-08-01.

Conditions:
Rubinstein-Taybi syndrome due to CREBBP mutations (RSTS1). Also called: Rubinstein-Taybi syndrome 1; RUBINSTEIN SYNDROME; BROAD THUMBS AND GREAT TOES, CHARACTERISTIC FACIES, AND IMPAIRED INTELLECTUAL DEVELOPMENT; BROAD THUMB-HALLUX SYNDROME; RUBINSTEIN-TAYBI SYNDROME 1, INCOMPLETE; CREBBP-Related Rubinstein-Taybi Syndrome. Identifiers: Orphanet 353277, Orphanet 783, MedGen C4551859, MONDO:0008393, OMIM 180849.
Menke-Hennekam syndrome 1 (MKHK1). Identifiers: MedGen C5193034, MONDO:0020763, OMIM 618332.
Rubinstein-Taybi syndrome (RSTS). Identifiers: Orphanet 783, MedGen C0035934, MONDO:0019188.
Inborn genetic diseases. Identifiers: MedGen C0950123, MeSH D030342.
CREBBP-related disorder. Also called: CREBBP-related condition; CREBBP-related disorders.

Allele frequency attached by ClinVar (database versions not stated): gnomAD 0.00002; TOPMed 0.00002; ExAC 0.00012; gnomAD exomes 0.00013.
gnomAD v4.1: 34 of 1,614,040 alleles (0.0021%); highest among the groups gnomAD compares: Admixed American, 0.055%; no homozygotes.

Submissions (7):

CeGaT Center for Human Genetics Tuebingen
Classification: Likely benign. Last evaluated: 2026-08-01. Review status: criteria provided, single submitter. Criteria: CeGaT Center For Human Genetics Tuebingen Variant Classification Criteria Version 2. Collection method: clinical testing. Allele origin: germline. Affected: yes. Observed: 1 variant allele.
Comment: CREBBP: PP2, BP4, BS1

Labcorp Genetics (formerly Invitae), Labcorp
Classification: Likely benign for Rubinstein-Taybi syndrome. Last evaluated: 2026-02-03. Review status: criteria provided, single submitter. Criteria: Invitae Variant Classification Sherloc (09022015). Collection method: clinical testing. Allele origin: germline.

Fulgent Genetics
Classification: Likely benign for Rubinstein-Taybi syndrome due to CREBBP mutations; Menke-Hennekam syndrome 1. Last evaluated: 2021-12-14. Review status: criteria provided, single submitter. Criteria: ACMG Guidelines, 2015. Collection method: clinical testing. Allele origin: unknown.

Genetic Services Laboratory, University of Chicago
Classification: Likely benign. Last evaluated: 2021-11-01. Review status: criteria provided, single submitter. Criteria: ACMG Guidelines, 2015. Collection method: clinical testing. Allele origin: germline. Affected: no.

GeneDx
Classification: Benign. Last evaluated: 2021-08-10. Review status: criteria provided, single submitter. Criteria: GeneDx Variant Classification Process June 2021. Collection method: clinical testing. Allele origin: germline. Affected: yes.

Ambry Genetics
Classification: Likely benign for Inborn genetic diseases. Last evaluated: 2017-06-01. Review status: criteria provided, single submitter. Criteria: Ambry Variant Classification Scheme 2023. Collection method: clinical testing. Allele origin: germline.

PreventionGenetics, part of Exact Sciences
Classification: Likely benign for CREBBP-related condition. Last evaluated: 2022-05-23. Review status: no assertion criteria provided. Collection method: clinical testing. Allele origin: germline. Not counted in ClinVar's aggregate classification.
Comment: This variant is classified as likely benign based on ACMG/AMP sequence variant interpretation guidelines (Richards et al. 2015 PMID: 25741868, with internal and published modifications).

NM_004380.3(CREBBP):c.3021G>C (p.Glu1007Asp)

Gene: CREBBP (CREB binding lysine acetyltransferase; minus strand). Cytogenetic location: 16p13.3.
Variant type: single nucleotide variant.
Coding change: c.3021G>C on transcript NM_004380.3 (MANE Select); coding-DNA position 3021, G replaced by C.
Protein change: p.Glu1007Asp; replaces glutamic acid 1007 with aspartic acid.
Molecular consequence: missense variant.
Genome position (GRCh38, 1-based): chr16:3,769,213, C>G on the plus strand (G>C on the coding strand, the complement: CREBBP is on the minus strand). VCF-style: chr16-3769213-C-G. GRCh37 (hg19) VCF-style: chr16-3819214-C-G.
Other names: c.2907G>C, p.Glu969Asp (NM_001079846.1); short protein forms E1007D, E969D.
Identifiers: ClinVar variation 589114 (VCV000589114.24), dbSNP rs774653315, ClinGen allele CA7869968.